The following is an entry in ClinVar:

ClinVar aggregate classification (germline): Uncertain significance. Review status: criteria provided, multiple submitters, no conflicts (2 of 4 stars). 6 submissions from 6 submitters: Uncertain significance (6). Last evaluated 2024-08-23.

Conditions:
Inborn genetic diseases. Identifiers: MedGen C0950123, MeSH D030342.
Progressive myoclonic epilepsy. Also called: Familial progressive myoclonic epilepsy; Myoclonic Epilepsies, Progressive; Myoclonus epilepsy; Progressive myoclonus epilepsy. Identifiers: Orphanet 308, Orphanet 98261, MedGen C0751778, MONDO:0020074.

Allele frequency attached by ClinVar (database versions not stated): gnomAD exomes below 0.00001 and 0.00003; gnomAD 0.00001; TOPMed 0.00003; ESP Exome Variant Server 0.00008.
gnomAD v4.1: 44 of 1,569,864 alleles (0.0028%); highest among the groups gnomAD compares: Non-Finnish European, 0.0036%; no homozygotes.

Submissions (6):

Mayo Clinic Laboratories, Mayo Clinic
Classification: Uncertain significance. Last evaluated: 2024-08-23. Review status: criteria provided, single submitter. Criteria: ACMG Guidelines, 2015. Collection method: clinical testing. Allele origin: germline. Observed: 1 variant allele.
Comment: PM2

Ambry Genetics
Classification: Uncertain significance for Inborn genetic diseases. Last evaluated: 2024-06-22. Review status: criteria provided, single submitter. Criteria: Ambry Variant Classification Scheme 2023. Collection method: clinical testing. Allele origin: germline.

Labcorp Genetics (formerly Invitae), Labcorp
Classification: Uncertain significance for Progressive myoclonic epilepsy. Last evaluated: 2022-09-27. Review status: criteria provided, single submitter. Criteria: Invitae Variant Classification Sherloc (09022015). Collection method: clinical testing. Allele origin: germline.
Comment: This sequence change replaces methionine, which is neutral and non-polar, with isoleucine, which is neutral and non-polar, at codon 19 of the GOSR2 protein (p.Met19Ile). This variant is present in population databases (rs369247929, gnomAD 0.007%). This variant has not been reported in the literature in individuals affected with GOSR2-related conditions. ClinVar contains an entry for this variant (Variation ID: 195214). Algorithms developed to predict the effect of missense changes on protein structure and function (SIFT, PolyPhen-2, Align-GVGD) all suggest that this variant is likely to be tolerated. In summary, the available evidence is currently insufficient to determine the role of this variant in disease. Therefore, it has been classified as a Variant of Uncertain Significance.

Blueprint Genetics
Classification: Uncertain significance. Last evaluated: 2018-07-24. Review status: criteria provided, single submitter. Criteria: ACMG Guidelines, 2015. Collection method: clinical testing. Allele origin: germline.

Athena Diagnostics
Classification: Uncertain significance. Last evaluated: 2017-10-25. Review status: criteria provided, single submitter. Criteria: Athena Diagnostics Criteria. Collection method: clinical testing. Allele origin: germline.

Eurofins Ntd Llc (ga)
Classification: Uncertain significance. Last evaluated: 2015-02-19. Review status: criteria provided, single submitter. Criteria: EGL Classification Definitions 2015. Collection method: clinical testing. Allele origin: germline. Observed: 1 variant allele, 1 heterozygote.

NM_004287.5(GOSR2):c.57G>A (p.Met19Ile)

Genes: LRRC37A2 (leucine rich repeat containing 37 member A2), GOSR2 (golgi SNAP receptor complex member 2; plus strand). Cytogenetic location: 17q21.32.
Variant type: single nucleotide variant.
Coding change: c.57G>A on transcript NM_004287.5 (MANE Select); coding-DNA position 57, G replaced by A.
Protein change: p.Met19Ile; replaces methionine 19 with isoleucine.
Molecular consequence: missense variant. On other transcripts: initiator codon variant (2), non-coding transcript variant (3).
Genome position (GRCh38, 1-based): chr17:46,929,547, G>A. VCF-style: chr17-46929547-G-A. GRCh37 (hg19) VCF-style: chr17-45006913-G-A.
Other names: p.Met19Ile; c.57G>A, p.Met19Ile (NM_001012511.3, NM_001321133.2, NM_001330252.2 and 4 more transcripts); c.3G>A, p.Met1Ile (NM_001321134.2, NM_001363851.2); short protein forms M19I, M1I.
Identifiers: ClinVar variation 195214 (VCV000195214.15), dbSNP rs369247929, ClinGen allele CA241535.